The following is an entry in ClinVar:

NM_005359.6(SMAD4):c.1354_1381dup (p.Gln461fs)

Gene: SMAD4 (SMAD family member 4; plus strand). Cytogenetic location: 18q21.2.
Variant type: Duplication.
Coding change: c.1354_1381dup on transcript NM_005359.6 (MANE Select); coding-DNA positions 1354 to 1381, 28 bases duplicated (GCTACTGCACAAGCTGCAGCAGCTGCCC).
Protein change: p.Gln461fs; shifts the reading frame from glutamine 461.
Molecular consequence: frameshift variant.
Genome position (GRCh38, 1-based): chr18:51,076,683-51,076,710, GCTACTGCACAAGCTGCAGCAGCTGCCC duplicated. VCF-style (leftmost placement, unchanged base first): chr18-51076682-G-GGCTACTGCACAAGCTGCAGCAGCTGCCC. GRCh37 (hg19) VCF-style: chr18-48603052-G-GGCTACTGCACAAGCTGCAGCAGCTGCCC.
Other names: c.1353_1354insGCTACTGCACAAGCTGCAGCAGCTGCCC (NM_005359.5); short protein forms Q461fs.
Identifiers: ClinVar variation 188177 (VCV000188177.9), dbSNP rs786204125, ClinGen allele CA334241.
Genomic context (GRCh38, chr18:51,076,682, plus strand): 5'-TGTTTTTTCTTAAAAGGTCTTTGATTTGCGTCAGTGTCATCGACAGATGCAGCAGCAGGC[G>GGCTACTGCACAAGCTGCAGCAGCTGCCC]GCTACTGCACAAGCTGCAGCAGCTGCCCAGGCAGCAGCCGTGGCAGGAAACATCCCTGGC-3'

ClinVar aggregate classification (germline): Pathogenic. Review status: criteria provided, single submitter (1 of 4 stars). 2 submissions from 1 submitter: Pathogenic (2). Last evaluated 2014-10-25.

Conditions:
Juvenile polyposis syndrome (JPS). Identifiers: Orphanet 2929, MedGen C0345893, MONDO:0017380, OMIM 174900.
Generalized juvenile polyposis/juvenile polyposis coli. Also called: Juvenile polyposis coli. Identifiers: Orphanet 329971, MedGen C1868081, MONDO:0008276.

Submissions (2):

Labcorp Genetics (formerly Invitae), Labcorp
Classification: Pathogenic for Juvenile polyposis syndrome. Last evaluated: 2014-10-25. Review status: criteria provided, single submitter. Criteria: Invitae Variant Classification Sherloc (09022015). Collection method: clinical testing. Allele origin: germline.
Comment: This sequence change inserts 28 nucleotides in exon 11 of the SMAD4 mRNA (c.1352_1354ins28), causing a frameshift at codon 461. This creates a premature translational stop signal (p.Gln461Argfs*42) and is expected to result in an absent or disrupted protein product. While this particular sequence change has not been reported in the literature, truncating sequence changes in SMAD4 are known to be pathogenic (PMID: 22810475). A different 28bp duplication in exon 11 has been reported in a patient with juvenile polyposis syndrome (JPS) (PMID: 23239472). For these reasons, this sequence change has been classified as Pathogenic.

Labcorp Genetics (formerly Invitae), Labcorp
Classification: Pathogenic for Juvenile polyposis syndrome. Last evaluated: 2014-10-25. Review status: criteria provided, single submitter. Criteria: Invitae Variant Classification Sherloc (09022015). Collection method: clinical testing. Allele origin: germline.
Comment: For these reasons, this sequence change has been classified as Pathogenic. While this particular sequence change has not been reported in the literature, truncating sequence changes in SMAD4 are known to be pathogenic (PMID: 22810475). This sequence change inserts 28 nucleotides in exon 11 of the SMAD4 mRNA (c.1352_1354ins28), causing a frameshift at codon 461. This creates a premature translational stop signal (p.Gln461Argfs*42) and is expected to result in an absent or disrupted protein product. A different 28bp duplication in exon 11 has been reported in a patient with juvenile polyposis syndrome (JPS) (PMID: 23239472).

Literature cited by the submitters: PubMed 22810475; PubMed 23239472.